The following is an entry in ClinVar:

NM_005458.8(GABBR2):c.2390G>A (p.Arg797His)

Gene: GABBR2 (gamma-aminobutyric acid type B receptor subunit 2; minus strand). Cytogenetic location: 9q22.33.
Variant type: single nucleotide variant.
Coding change: c.2390G>A on transcript NM_005458.8 (MANE Select); coding-DNA position 2390, G replaced by A.
Protein change: p.Arg797His; replaces arginine 797 with histidine.
Molecular consequence: missense variant.
Genome position (GRCh38, 1-based): chr9:98,303,263, C>T on the plus strand (G>A on the coding strand, the complement: GABBR2 is on the minus strand). VCF-style: chr9-98303263-C-T. GRCh37 (hg19) VCF-style: chr9-101065545-C-T.
Other names: c.2390G>A (NM_005458.7); short protein forms R797H.
Identifiers: ClinVar variation 1046360 (VCV001046360.11), dbSNP rs80137447, ClinGen allele CA5152480.

ClinVar aggregate classification (germline): Uncertain significance. Review status: criteria provided, multiple submitters, no conflicts (2 of 4 stars). 2 submissions from 2 submitters: Uncertain significance (2). Last evaluated 2022-11-10.

Conditions:
Epileptic encephalopathy. Identifiers: MedGen C0543888, HP:0200134.

Allele frequency attached by ClinVar (database versions not stated): ExAC 0.00001; gnomAD 0.00001; gnomAD exomes 0.00001; TOPMed 0.00002.
gnomAD v4.1: 9 of 1,613,948 alleles (0.00056%); highest among the groups gnomAD compares: South Asian, 0.0022%; no homozygotes.

Submissions (2):

Labcorp Genetics (formerly Invitae), Labcorp
Classification: Uncertain significance for Epileptic encephalopathy. Last evaluated: 2022-11-10. Review status: criteria provided, single submitter. Criteria: Invitae Variant Classification Sherloc (09022015). Collection method: clinical testing. Allele origin: germline.
Comment: This sequence change replaces arginine, which is basic and polar, with histidine, which is basic and polar, at codon 797 of the GABBR2 protein (p.Arg797His). In summary, the available evidence is currently insufficient to determine the role of this variant in disease. Therefore, it has been classified as a Variant of Uncertain Significance. Advanced modeling of protein sequence and biophysical properties (such as structural, functional, and spatial information, amino acid conservation, physicochemical variation, residue mobility, and thermodynamic stability) performed at Invitae indicates that this missense variant is not expected to disrupt GABBR2 protein function. ClinVar contains an entry for this variant (Variation ID: 1046360). This variant has not been reported in the literature in individuals affected with GABBR2-related conditions. This variant is present in population databases (rs80137447, gnomAD 0.007%).

Revvity Omics, Revvity
Classification: Uncertain significance. Last evaluated: 2020-07-31. Review status: criteria provided, single submitter. Criteria: ACMG Guidelines, 2015. Collection method: clinical testing. Allele origin: germline.